The following is an entry in ClinVar:

ClinVar aggregate classification (germline): Uncertain significance (1 of 4 stars; one submission).

Conditions:
Combined immunodeficiency due to LRBA deficiency. Also called: Common variable immunodeficiency 8, with autoimmunity. Identifiers: Orphanet 445018, MedGen C3553512, MONDO:0013863, OMIM 614700.

Submission:

Labcorp Genetics (formerly Invitae), Labcorp
Classification: Uncertain significance for Combined immunodeficiency due to LRBA deficiency. Last evaluated: 2024-11-04. Review status: criteria provided, single submitter. Criteria: Invitae Variant Classification Sherloc (09022015). Collection method: clinical testing. Allele origin: germline.
Comment: This sequence change replaces tyrosine, which is neutral and polar, with cysteine, which is neutral and slightly polar, at codon 2656 of the LRBA protein (p.Tyr2656Cys). This variant is not present in population databases (gnomAD no frequency). This variant has not been reported in the literature in individuals affected with LRBA-related conditions. ClinVar contains an entry for this variant (Variation ID: 2119072). Invitae Evidence Modeling of protein sequence and biophysical properties (such as structural, functional, and spatial information, amino acid conservation, physicochemical variation, residue mobility, and thermodynamic stability) has been performed for this missense variant. However, the output from this modeling did not meet the statistical confidence thresholds required to predict the impact of this variant on LRBA protein function. In summary, the available evidence is currently insufficient to determine the role of this variant in disease. Therefore, it has been classified as a Variant of Uncertain Significance.

NM_001364905.1(LRBA):c.7934A>G (p.Tyr2645Cys)

Gene: LRBA (LPS responsive beige-like anchor protein; minus strand). Cytogenetic location: 4q31.3.
Variant type: single nucleotide variant.
Coding change: c.7934A>G on transcript NM_001364905.1 (MANE Select); coding-DNA position 7934, A replaced by G.
Protein change: p.Tyr2645Cys; replaces tyrosine 2645 with cysteine.
Molecular consequence: missense variant.
Genome position (GRCh38, 1-based): chr4:150,302,708, T>C on the plus strand (A>G on the coding strand, the complement: LRBA is on the minus strand). VCF-style: chr4-150302708-T-C. GRCh37 (hg19) VCF-style: chr4-151223860-T-C.
Other names: c.7934A>G, p.Tyr2645Cys (NM_001199282.3); c.7949A>G, p.Tyr2650Cys (NM_001367550.1); c.7967A>G, p.Tyr2656Cys (NM_006726.5); short protein forms Y2645C, Y2650C, Y2656C.
Identifiers: ClinVar variation 2119072 (VCV002119072.4), dbSNP rs775871299, ClinGen allele CA358599007.
Genomic context (GRCh38, chr4:150,302,708, plus strand): 5'-CTGCATTTTCCATTCCAATACCACAGCAAAAGAGTTGCATCACGTGACCCTGAGAGAATG[T>C]AGCAATTTCCCCCAATATATGACTCAGAACGAGCAAGGCAAGTGACGACATCCCAATGGC-3'
Protein context (NP_001351834.1, residues 2635-2655): RSESYIGGNC[Tyr2645Cys]ILSGSRDATL